The following is an entry in ClinVar:

NM_052947.4(ALPK2):c.4576C>G (p.Gln1526Glu)

Genes: ALPK2 (alpha kinase 2; minus strand), LOC126862764 (BRD4-independent group 4 enhancer GRCh37_chr18:56202574-56203773; plus strand). Cytogenetic location: 18q21.31.
Variant type: single nucleotide variant.
Coding change: c.4576C>G on transcript NM_052947.4 (MANE Select); coding-DNA position 4576, C replaced by G.
Protein change: p.Gln1526Glu; replaces glutamine 1526 with glutamic acid.
Molecular consequence: missense variant.
Genome position (GRCh38, 1-based): chr18:58,535,611, G>C on the plus strand (C>G on the coding strand, the complement: ALPK2 is on the minus strand). VCF-style: chr18-58535611-G-C. GRCh37 (hg19) VCF-style: chr18-56202843-G-C.
Other names: short protein forms Q1526E.
Identifiers: ClinVar variation 1741592 (VCV001741592.2), dbSNP rs1256729272, ClinGen allele CA402561294.

ClinVar aggregate classification (germline): Uncertain significance (1 of 4 stars; one submission).

Allele frequency attached by ClinVar (database versions not stated): gnomAD exomes below 0.00001.
gnomAD v4.1: 2 of 1,614,108 alleles (0.00012%); highest among the groups gnomAD compares: Admixed American, 0.0033%; no homozygotes.

Submission:

Ambry Genetics
Classification: Uncertain significance. Last evaluated: 2024-03-10. Review status: criteria provided, single submitter. Criteria: Ambry Variant Classification Scheme 2023. Collection method: clinical testing. Allele origin: germline.
Comment: The p.Q1526E variant (also known as c.4576C>G), located in coding exon 4 of the ALPK2 gene, results from a C to G substitution at nucleotide position 4576. The glutamine at codon 1526 is replaced by glutamic acid, an amino acid with highly similar properties. This amino acid position is conserved. In addition, this alteration is predicted to be tolerated by in silico analysis. Since supporting evidence is limited at this time, the clinical significance of this alteration remains unclear.